The following is an entry in ClinVar:

NM_031263.4(HNRNPK):c.292G>A (p.Gly98Arg)

Genes: HNRNPK (heterogeneous nuclear ribonucleoprotein K; minus strand), HNRNPK-AS1 (HNRNPK antisense RNA 1; plus strand). Cytogenetic location: 9q21.32.
Variant type: single nucleotide variant.
Coding change: c.292G>A on transcript NM_031263.4 (MANE Select); coding-DNA position 292, G replaced by A.
Protein change: p.Gly98Arg; replaces glycine 98 with arginine.
Molecular consequence: missense variant.
Genome position (GRCh38, 1-based): chr9:83,974,555, C>T on the plus strand (G>A on the coding strand, the complement: HNRNPK is on the minus strand). VCF-style: chr9-83974555-C-T. GRCh37 (hg19) VCF-style: chr9-86589470-C-T.
Other names: c.292G>A, p.Gly98Arg (NM_001318186.2, NM_001318187.2, NM_001318188.2 and 2 more transcripts); short protein forms G98R.
Identifiers: ClinVar variation 3602347 (VCV003602347.1).

ClinVar aggregate classification (germline): Uncertain significance (1 of 4 stars; one submission).

Submission:

GeneDx
Classification: Uncertain significance. Last evaluated: 2024-07-29. Review status: criteria provided, single submitter. Criteria: GeneDx Variant Classification Process June 2021. Collection method: clinical testing. Allele origin: germline. Affected: yes.
Comment: Not observed at significant frequency in large population cohorts (gnomAD); In silico analysis indicates that this missense variant does not alter protein structure/function; Has not been previously published as pathogenic or benign to our knowledge